The following is an entry in ClinVar:

ClinVar aggregate classification (germline): Uncertain significance (1 of 4 stars; one submission).

gnomAD v4.1: 1 of 1,613,526 alleles (0.000062%); highest among the groups gnomAD compares: Non-Finnish European, 0.000085%; no homozygotes.

Submission:

Labcorp Genetics (formerly Invitae), Labcorp
Classification: Uncertain significance. Last evaluated: 2025-01-19. Review status: criteria provided, single submitter. Criteria: Invitae Variant Classification Sherloc (09022015). Collection method: clinical testing. Allele origin: germline.
Comment: This sequence change replaces threonine, which is neutral and polar, with methionine, which is neutral and non-polar, at codon 54 of the CYFIP2 protein (p.Thr54Met). This variant is not present in population databases (gnomAD no frequency). This variant has not been reported in the literature in individuals affected with CYFIP2-related conditions. Experimental studies and prediction algorithms are not available or were not evaluated, and the functional significance of this variant is currently unknown. In summary, the available evidence is currently insufficient to determine the role of this variant in disease. Therefore, it has been classified as a Variant of Uncertain Significance.

NM_001037333.3(CYFIP2):c.161C>T (p.Thr54Met)

Gene: CYFIP2 (cytoplasmic FMR1 interacting protein 2; plus strand). Cytogenetic location: 5q33.3.
Variant type: single nucleotide variant.
Coding change: c.161C>T on transcript NM_001037333.3 (MANE Select); coding-DNA position 161, C replaced by T.
Protein change: p.Thr54Met; replaces threonine 54 with methionine.
Molecular consequence: missense variant.
Genome position (GRCh38, 1-based): chr5:157,287,062, C>T. VCF-style: chr5-157287062-C-T. GRCh37 (hg19) VCF-style: chr5-156714071-C-T.
Other names: c.161C>T, p.Thr54Met (NM_001291721.2, NM_001291722.2, NM_014376.4); short protein forms T54M.
Identifiers: ClinVar variation 3729164 (VCV003729164.2).